The following is an entry in ClinVar:

ClinVar aggregate classification (germline): Uncertain significance (1 of 4 stars; one submission).

Conditions:
Charcot-Marie-Tooth disease type 2. Also called: Charcot-Marie-Tooth type 2. Identifiers: Orphanet 64746, MedGen C0270914, MONDO:0018993.

Submission:

Labcorp Genetics (formerly Invitae), Labcorp
Classification: Uncertain significance for Charcot-Marie-Tooth disease type 2. Last evaluated: 2024-03-19. Review status: criteria provided, single submitter. Criteria: Invitae Variant Classification Sherloc (09022015). Collection method: clinical testing. Allele origin: germline.
Comment: This sequence change falls in intron 17 of the MFN2 gene. It does not directly change the encoded amino acid sequence of the MFN2 protein. It affects a nucleotide within the consensus splice site. This variant is not present in population databases (gnomAD no frequency). This variant has not been reported in the literature in individuals affected with MFN2-related conditions. Variants that disrupt the consensus splice site are a relatively common cause of aberrant splicing (PMID: 17576681, 9536098). Algorithms developed to predict the effect of sequence changes on RNA splicing suggest that this variant may disrupt the consensus splice site. In summary, the available evidence is currently insufficient to determine the role of this variant in disease. Therefore, it has been classified as a Variant of Uncertain Significance.

Literature cited by the submitters: PubMed 17576681; PubMed 9536098.

NM_014874.4(MFN2):c.2069+5G>A

Gene: MFN2 (mitofusin 2; plus strand). Cytogenetic location: 1p36.22.
Variant type: single nucleotide variant.
Coding change: c.2069+5G>A on transcript NM_014874.4 (MANE Select); 5 bases into the intron after coding-DNA position 2069, G replaced by A.
Molecular consequence: intron variant.
Genome position (GRCh38, 1-based): chr1:12,007,254, G>A. VCF-style: chr1-12007254-G-A. GRCh37 (hg19) VCF-style: chr1-12067311-G-A.
Other names: c.2069+5G>A (NM_001127660.2).
Identifiers: ClinVar variation 3646725 (VCV003646725.2).